The following is an entry in ClinVar:

NM_001283009.2(RTEL1):c.2987C>T (p.Pro996Leu)

Genes: RTEL1 (regulator of telomere elongation helicase 1; plus strand), RTEL1-TNFRSF6B (RTEL1-TNFRSF6B readthrough (NMD candidate); plus strand). Cytogenetic location: 20q13.33.
Variant type: single nucleotide variant.
Coding change: c.2987C>T on transcript NM_001283009.2 (MANE Select); coding-DNA position 2987, C replaced by T.
Protein change: p.Pro996Leu; replaces proline 996 with leucine.
Molecular consequence: missense variant. On other transcripts: non-coding transcript variant (1).
Genome position (GRCh38, 1-based): chr20:63,693,278, C>T. VCF-style: chr20-63693278-C-T. GRCh37 (hg19) VCF-style: chr20-62324631-C-T.
Other names: c.2318C>T, p.Pro773Leu (NM_001283010.1); c.2987C>T, p.Pro996Leu (NM_016434.4); c.3059C>T, p.Pro1020Leu (NM_032957.5); short protein forms P996L, P1020L, P773L.
Identifiers: ClinVar variation 936868 (VCV000936868.6), dbSNP rs373210484, ClinGen allele CA409683423.
Genomic context (GRCh38, chr20:63,693,278, plus strand): 5'-GTGGCTATCGGCCTGAGCACAGCATTCCCCGAAGGCAGCGGGCACAGCCGGTCCTGGACC[C>T]CACTGGTAAATGGGGCCCCAGGTGGGACCCTCAGACTCCTGCGTGGAAGGCAGTGTGGGC-3'
Protein context (NP_001269938.1, residues 986-1006): RRQRAQPVLD[Pro996Leu]TGRTAPDPKL

ClinVar aggregate classification (germline): Uncertain significance. Review status: criteria provided, single submitter (1 of 4 stars). 2 submissions from 2 submitters: Uncertain significance (1). 1 of the submissions does not count toward it. Last evaluated 2025-05-17.

Conditions:
Dyskeratosis congenita. Identifiers: Orphanet 1775, MedGen C0265965, MONDO:0015780.
Dyskeratosis congenita, autosomal recessive 5 (DKCB5). Identifiers: MedGen C3554656, MONDO:0014076, OMIM 615190.
Pulmonary fibrosis and/or bone marrow failure, Telomere-related, 3. Also called: PULMONARY FIBROSIS AND/OR BONE MARROW FAILURE SYNDROME, TELOMERE-RELATED, 3. Identifiers: Orphanet 2032, MedGen C4225346, MONDO:0014613, OMIM 616373.

gnomAD v4.1: 4 of 1,611,674 alleles (0.00025%); highest among the groups gnomAD compares: South Asian, 0.0011%; no homozygotes.

Submissions (2):

Labcorp Genetics (formerly Invitae), Labcorp
Classification: Uncertain significance for Dyskeratosis congenita, autosomal recessive 5; Pulmonary fibrosis and/or bone marrow failure, Telomere-related, 3. Last evaluated: 2025-05-17. Review status: criteria provided, single submitter. Criteria: Invitae Variant Classification Sherloc (09022015). Collection method: clinical testing. Allele origin: germline.
Comment: This sequence change replaces proline, which is neutral and non-polar, with leucine, which is neutral and non-polar, at codon 996 of the RTEL1 protein (p.Pro996Leu). This variant is present in population databases (no rsID available, gnomAD 0.0009%). This variant has not been reported in the literature in individuals affected with RTEL1-related conditions. ClinVar contains an entry for this variant (Variation ID: 936868). An algorithm developed to predict the effect of missense changes on protein structure and function (PolyPhen-2) suggests that this variant is likely to be tolerated. In summary, the available evidence is currently insufficient to determine the role of this variant in disease. Therefore, it has been classified as a Variant of Uncertain Significance.

Natera, Inc.
Classification: Uncertain significance for Dyskeratosis congenita. Last evaluated: 2020-06-18. Review status: no assertion criteria provided. Collection method: clinical testing. Allele origin: germline. Not counted in ClinVar's aggregate classification.